The following is an entry in ClinVar:

NM_001369268.1(ACAN):c.2173G>A (p.Glu725Lys)

Gene: ACAN (aggrecan; plus strand). Cytogenetic location: 15q26.1.
Variant type: single nucleotide variant.
Coding change: c.2173G>A on transcript NM_001369268.1 (MANE Select); coding-DNA position 2173, G replaced by A.
Protein change: p.Glu725Lys; replaces glutamic acid 725 with lysine.
Molecular consequence: missense variant.
Genome position (GRCh38, 1-based): chr15:88,851,940, G>A. VCF-style: chr15-88851940-G-A. GRCh37 (hg19) VCF-style: chr15-89395171-G-A.
Other names: c.2173G>A, p.Glu725Lys (NM_001135.4, NM_001411096.1, NM_001411097.1 and 1 more transcripts); short protein forms E725K.
Identifiers: ClinVar variation 2976377 (VCV002976377.3), dbSNP rs1048763393, ClinGen allele CA274477560.

ClinVar aggregate classification (germline): Uncertain significance (1 of 4 stars; one submission).

Allele frequency attached by ClinVar (database versions not stated): gnomAD exomes below 0.00001; TOPMed below 0.00001.
gnomAD v4.1: 3 of 1,612,824 alleles (0.00019%); highest among the groups gnomAD compares: Non-Finnish European, 0.000085%; no homozygotes.

Submission:

Labcorp Genetics (formerly Invitae), Labcorp
Classification: Uncertain significance. Last evaluated: 2025-12-15. Review status: criteria provided, single submitter. Criteria: Invitae Variant Classification Sherloc (09022015). Collection method: clinical testing. Allele origin: germline.
Comment: This sequence change replaces glutamic acid, which is acidic and polar, with lysine, which is basic and polar, at codon 725 of the ACAN protein (p.Glu725Lys). This variant is present in population databases (no rsID available, gnomAD 0.005%). This variant has not been reported in the literature in individuals affected with ACAN-related conditions. ClinVar contains an entry for this variant (Variation ID: 2976377). Invitae Evidence Modeling of protein sequence and biophysical properties (such as structural, functional, and spatial information, amino acid conservation, physicochemical variation, residue mobility, and thermodynamic stability) indicates that this missense variant is not expected to disrupt ACAN protein function with a negative predictive value of 80%. In summary, the available evidence is currently insufficient to determine the role of this variant in disease. Therefore, it has been classified as a Variant of Uncertain Significance.